The following is an entry in ClinVar:

NM_000203.5(IDUA):c.1799C>G (p.Ser600Trp)

Gene: IDUA (alpha-L-iduronidase; plus strand). Cytogenetic location: 4p16.3.
Variant type: single nucleotide variant.
Coding change: c.1799C>G on transcript NM_000203.5 (MANE Select); coding-DNA position 1799, C replaced by G.
Protein change: p.Ser600Trp; replaces serine 600 with tryptophan.
Molecular consequence: missense variant. On other transcripts: non-coding transcript variant (1).
Genome position (GRCh38, 1-based): chr4:1,004,083, C>G. VCF-style: chr4-1004083-C-G. GRCh37 (hg19) VCF-style: chr4-997871-C-G.
Other names: c.1403C>G, p.Ser468Trp (NM_001363576.1); short protein forms S468W, S600W.
Identifiers: ClinVar variation 2192002 (VCV002192002.4), dbSNP rs867456178, ClinGen allele CA355965554.

ClinVar aggregate classification (germline): Uncertain significance (1 of 4 stars; one submission).

Conditions:
Mucopolysaccharidosis type 1. Also called: IDUA deficiency; MPS I; Mucopolysaccharidosis Type I. Identifiers: Orphanet 579, MedGen C0023786, MONDO:0001586.

Submission:

Labcorp Genetics (formerly Invitae), Labcorp
Classification: Uncertain significance for Mucopolysaccharidosis type 1. Last evaluated: 2023-11-27. Review status: criteria provided, single submitter. Criteria: Invitae Variant Classification Sherloc (09022015). Collection method: clinical testing. Allele origin: germline.
Comment: This sequence change replaces serine, which is neutral and polar, with tryptophan, which is neutral and slightly polar, at codon 600 of the IDUA protein (p.Ser600Trp). This variant is not present in population databases (gnomAD no frequency). This variant has not been reported in the literature in individuals affected with IDUA-related conditions. ClinVar contains an entry for this variant (Variation ID: 2192002). Advanced modeling of protein sequence and biophysical properties (such as structural, functional, and spatial information, amino acid conservation, physicochemical variation, residue mobility, and thermodynamic stability) has been performed at Invitae for this missense variant, however the output from this modeling did not meet the statistical confidence thresholds required to predict the impact of this variant on IDUA protein function. In summary, the available evidence is currently insufficient to determine the role of this variant in disease. Therefore, it has been classified as a Variant of Uncertain Significance.